The following is an entry in ClinVar:

NM_005633.4(SOS1):c.3584G>A (p.Arg1195Gln)

Gene: SOS1 (SOS Ras/Rac guanine nucleotide exchange factor 1; minus strand). Cytogenetic location: 2p22.1.
Variant type: single nucleotide variant.
Coding change: c.3584G>A on transcript NM_005633.4 (MANE Select); coding-DNA position 3584, G replaced by A.
Protein change: p.Arg1195Gln; replaces arginine 1195 with glutamine.
Molecular consequence: missense variant.
Genome position (GRCh38, 1-based): chr2:38,986,242, C>T on the plus strand (G>A on the coding strand, the complement: SOS1 is on the minus strand). VCF-style: chr2-38986242-C-T. GRCh37 (hg19) VCF-style: chr2-39213383-C-T.
Other names: c.3563G>A, p.Arg1188Gln (NM_001382394.1); c.3539G>A, p.Arg1180Gln (NM_001382395.1); short protein forms R1188Q, R1195Q, R1180Q.
Identifiers: ClinVar variation 2202203 (VCV002202203.4), dbSNP rs368708238, ClinGen allele CA346362812.

ClinVar aggregate classification (germline): Uncertain significance (1 of 4 stars; one submission).

Conditions:
RASopathy. Also called: rasopathies; Noonan spectrum disorder. Identifiers: Orphanet 536391, MedGen C5555857, MONDO:0021060.

Allele frequency attached by ClinVar (database versions not stated): TOPMed below 0.00001.
gnomAD v4.1: 9 of 1,613,668 alleles (0.00056%); highest among the groups gnomAD compares: Non-Finnish European, 0.00076%; no homozygotes.

Submission:

Labcorp Genetics (formerly Invitae), Labcorp
Classification: Uncertain significance for RASopathy. Last evaluated: 2026-01-20. Review status: criteria provided, single submitter. Criteria: Invitae Variant Classification Sherloc (09022015). Collection method: clinical testing. Allele origin: germline.
Comment: This sequence change replaces arginine, which is basic and polar, with glutamine, which is neutral and polar, at codon 1195 of the SOS1 protein (p.Arg1195Gln). This variant is not present in population databases (gnomAD no frequency). This variant has not been reported in the literature in individuals affected with SOS1-related conditions. ClinVar contains an entry for this variant (Variation ID: 2202203). Invitae Evidence Modeling of protein sequence and biophysical properties (such as structural, functional, and spatial information, amino acid conservation, physicochemical variation, residue mobility, and thermodynamic stability) indicates that this missense variant is not expected to disrupt SOS1 protein function with a negative predictive value of 95%. In summary, the available evidence is currently insufficient to determine the role of this variant in disease. Therefore, it has been classified as a Variant of Uncertain Significance.